The following is an entry in ClinVar:

NM_031433.4(MFRP):c.1103G>A (p.Gly368Glu)

Genes: C1QTNF5 (C1q and TNF related 5; minus strand), MFRP (membrane frizzled-related protein; minus strand). Cytogenetic location: 11q23.3.
Variant type: single nucleotide variant.
Coding change: c.1103G>A on transcript NM_031433.4 (MANE Select); coding-DNA position 1103, G replaced by A.
Protein change: p.Gly368Glu; replaces glycine 368 with glutamic acid.
Molecular consequence: missense variant. On other transcripts: 5 prime UTR variant (1).
Genome position (GRCh38, 1-based): chr11:119,343,837, C>T on the plus strand (G>A on the coding strand, the complement: MFRP is on the minus strand). VCF-style: chr11-119343837-C-T. GRCh37 (hg19) VCF-style: chr11-119214547-C-T.
Other names: c.-1534G>A (NM_015645.5); short protein forms G368E.
Identifiers: ClinVar variation 1058444 (VCV001058444.10), dbSNP rs1424939913, ClinGen allele CA382974678.

ClinVar aggregate classification (germline): Uncertain significance. Review status: criteria provided, multiple submitters, no conflicts (2 of 4 stars). 2 submissions from 2 submitters: Uncertain significance (2). Last evaluated 2025-03-17.

Conditions:
Isolated microphthalmia 5. Also called: Posterior Microphthalmia with Retinitis Pigmentosa, Foveoschisis, and Optic Disc Drusen. Identifiers: Orphanet 251279, MedGen C1970236, MONDO:0012605, OMIM 611040.

Allele frequency attached by ClinVar (database versions not stated): gnomAD exomes below 0.00001; gnomAD 0.00003.
gnomAD v4.1: 10 of 1,613,822 alleles (0.00062%); highest among the groups gnomAD compares: African/African-American, 0.004%; no homozygotes.

Submissions (2):

Labcorp Genetics (formerly Invitae), Labcorp
Classification: Uncertain significance for Isolated microphthalmia 5. Last evaluated: 2025-03-17. Review status: criteria provided, single submitter. Criteria: Invitae Variant Classification Sherloc (09022015). Collection method: clinical testing. Allele origin: germline.
Comment: This sequence change replaces glycine, which is neutral and non-polar, with glutamic acid, which is acidic and polar, at codon 368 of the MFRP protein (p.Gly368Glu). This variant is present in population databases (no rsID available, gnomAD 0.01%). This variant has not been reported in the literature in individuals affected with MFRP-related conditions. ClinVar contains an entry for this variant (Variation ID: 1058444). Invitae Evidence Modeling of protein sequence and biophysical properties (such as structural, functional, and spatial information, amino acid conservation, physicochemical variation, residue mobility, and thermodynamic stability) indicates that this missense variant is not expected to disrupt MFRP protein function with a negative predictive value of 80%. In summary, the available evidence is currently insufficient to determine the role of this variant in disease. Therefore, it has been classified as a Variant of Uncertain Significance.

Blueprint Genetics
Classification: Uncertain significance. Last evaluated: 2023-02-13. Review status: criteria provided, single submitter. Criteria: ACMG Guidelines, 2015. Collection method: clinical testing. Allele origin: germline.